The following is an entry in ClinVar:

ClinVar aggregate classification (germline): Pathogenic (1 of 4 stars; one submission).

Submission:

GeneDx
Classification: Pathogenic. Last evaluated: 2023-11-09. Review status: criteria provided, single submitter. Criteria: GeneDx Variant Classification Process June 2021. Collection method: clinical testing. Allele origin: germline. Affected: yes.
Comment: Published functional studies demonstrate a damaging effect, specifically, functional assays in HEK293 transfected cells demonstrated significantly reduced F10 protein levels (PMID: 30994257); Nonsense variant in the C-terminus predicted to result in protein truncation, as the last 28 amino acids are lost, and other loss-of-function variants have been reported downstream in the Human Gene Mutation Database (HGMD); Not observed at significant frequency in large population cohorts (gnomAD); This variant is associated with the following publications: (PMID: 30994257)

NM_000504.4(F10):c.1382G>A (p.Trp461Ter)

Genes: F10 (coagulation factor X; plus strand), F10-AS2 (F10 antisense RNA 2; minus strand). Cytogenetic location: 13q34.
Variant type: single nucleotide variant.
Coding change: c.1382G>A on transcript NM_000504.4 (MANE Select); coding-DNA position 1382, G replaced by A.
Protein change: p.Trp461Ter; replaces tryptophan 461 with a stop codon.
Molecular consequence: nonsense. On other transcripts: 3 prime UTR variant (1).
Genome position (GRCh38, 1-based): chr13:113,149,432, G>A. VCF-style: chr13-113149432-G-A. GRCh37 (hg19) VCF-style: chr13-113803746-G-A.
Other names: c.1250G>A, p.Trp417Ter (NM_001312674.2); c.*373G>A (NM_001312675.2); short protein forms W417*, W461*.
Identifiers: ClinVar variation 3340672 (VCV003340672.1).